The following is an entry in ClinVar:

NC_000019.10:g.(?_51745922)_(51759909_?)dup

Gene: FPR1 (formyl peptide receptor 1; minus strand). Cytogenetic location: 19q13.41.
Variant type: Duplication.
Identifiers: ClinVar variation 831452 (VCV000831452.1).

ClinVar aggregate classification (germline): Uncertain significance (1 of 4 stars; one submission).

Conditions:
Periodontitis. Identifiers: MedGen C0031099, MONDO:0005076, HP:0000704.

Submission:

Labcorp Genetics (formerly Invitae), Labcorp
Classification: Uncertain significance for Gingival disease. Last evaluated: 2019-05-23. Review status: criteria provided, single submitter. Criteria: Invitae Variant Classification Sherloc (09022015). Collection method: clinical testing. Allele origin: germline.
Comment: This variant results in a copy number gain of the genomic region encompassing the full coding sequence of the FPR1 gene. The boundaries of this event are unknown as they extend beyond the assayed region for this gene and therefore may encompass additional genes. As the precise location of this event is unknown, it may be in tandem or it may be located elsewhere in the genome. This variant has not been reported in the literature in individuals with FPR1-related conditions. In summary, the available evidence is currently insufficient to determine the role of this variant in disease. Therefore, it has been classified as a Variant of Uncertain Significance.